The following is an entry in ClinVar:

NM_144631.6(ZNF513):c.55+3C>A

Gene: ZNF513 (zinc finger protein 513; minus strand). Cytogenetic location: 2p23.3.
Variant type: single nucleotide variant.
Coding change: c.55+3C>A on transcript NM_144631.6 (MANE Select); 3 bases into the intron after coding-DNA position 55, C replaced by A.
Molecular consequence: intron variant.
Genome position (GRCh38, 1-based): chr2:27,380,469, G>T on the plus strand (C>A on the coding strand, the complement: ZNF513 is on the minus strand). VCF-style: chr2-27380469-G-T. GRCh37 (hg19) VCF-style: chr2-27603336-G-T.
Identifiers: ClinVar variation 1345219 (VCV001345219.6), dbSNP rs2148415406, ClinGen allele CA2573134431.
Genomic context (GRCh38, chr2:27,380,469, plus strand): 5'-ACCTGAGCCCACTCCACTGACCCCACCCCCGCTCCTCTCCCCTCAAGGCCCCTGACCCCT[G>T]ACCTTTGACCCCCTCGCATTTCACGGGCTGCGGGTGGCTTTGCTTCCTTCGGGGCATCGT-3'

ClinVar aggregate classification (germline): Uncertain significance (1 of 4 stars; one submission).

Submission:

Labcorp Genetics (formerly Invitae), Labcorp
Classification: Uncertain significance. Last evaluated: 2022-06-27. Review status: criteria provided, single submitter. Criteria: Invitae Variant Classification Sherloc (09022015). Collection method: clinical testing. Allele origin: germline.
Comment: In summary, the available evidence is currently insufficient to determine the role of this variant in disease. Therefore, it has been classified as a Variant of Uncertain Significance. Variants that disrupt the consensus splice site are a relatively common cause of aberrant splicing (PMID: 17576681, 9536098). Algorithms developed to predict the effect of sequence changes on RNA splicing suggest that this variant is not likely to affect RNA splicing. This variant has not been reported in the literature in individuals affected with ZNF513-related conditions. This variant is not present in population databases (gnomAD no frequency). This sequence change falls in intron 1 of the ZNF513 gene. It does not directly change the encoded amino acid sequence of the ZNF513 protein. It affects a nucleotide within the consensus splice site.

Literature cited by the submitters: PubMed 17576681; PubMed 9536098.